The following is an entry in ClinVar:

ClinVar aggregate classification (germline): Uncertain significance (1 of 4 stars; one submission).

Conditions:
Nephronophthisis 14 (NPHP14). Identifiers: Orphanet 2318, MedGen C3539071, MONDO:0013916, OMIM 614844.

Allele frequency attached by ClinVar (database versions not stated): TOPMed below 0.00001; gnomAD 0.00001; gnomAD exomes 0.00001 and 0.00002; ExAC 0.00002.
gnomAD v4.1: 35 of 1,613,960 alleles (0.0022%); highest among the groups gnomAD compares: African/African-American, 0.008%; no homozygotes.

Submission:

Labcorp Genetics (formerly Invitae), Labcorp
Classification: Uncertain significance for Nephronophthisis 14. Last evaluated: 2021-06-01. Review status: criteria provided, single submitter. Criteria: Invitae Variant Classification Sherloc (09022015). Collection method: clinical testing. Allele origin: germline.
Comment: In summary, the available evidence is currently insufficient to determine the role of this variant in disease. Therefore, it has been classified as a Variant of Uncertain Significance. Algorithms developed to predict the effect of missense changes on protein structure and function (SIFT, PolyPhen-2, Align-GVGD) all suggest that this variant is likely to be disruptive, but these predictions have not been confirmed by published functional studies and their clinical significance is uncertain. This variant has not been reported in the literature in individuals with ZNF423-related conditions. This variant is present in population databases (rs764775118, ExAC 0.009%). This sequence change replaces proline with leucine at codon 551 of the ZNF423 protein (p.Pro551Leu). The proline residue is highly conserved and there is a moderate physicochemical difference between proline and leucine.

NM_001379286.1(ZNF423):c.1676C>T (p.Pro559Leu)

Gene: ZNF423 (zinc finger protein 423; minus strand). Cytogenetic location: 16q12.1.
Variant type: single nucleotide variant.
Coding change: c.1676C>T on transcript NM_001379286.1 (MANE Select); coding-DNA position 1676, C replaced by T.
Protein change: p.Pro559Leu; replaces proline 559 with leucine.
Molecular consequence: missense variant.
Genome position (GRCh38, 1-based): chr16:49,637,500, G>A on the plus strand (C>T on the coding strand, the complement: ZNF423 is on the minus strand). VCF-style: chr16-49637500-G-A. GRCh37 (hg19) VCF-style: chr16-49671411-G-A.
Other names: c.1472C>T, p.Pro491Leu (NM_001271620.2); c.1301C>T, p.Pro434Leu (NM_001330533.2); c.1652C>T, p.Pro551Leu (NM_015069.5); short protein forms P491L, P559L, P551L, P434L.
Identifiers: ClinVar variation 1506289 (VCV001506289.6), dbSNP rs764775118, ClinGen allele CA8046641.